The following is an entry in ClinVar:

NM_000379.4(XDH):c.2464C>T (p.Arg822Cys)

Gene: XDH (xanthine dehydrogenase; minus strand). Cytogenetic location: 2p23.1.
Variant type: single nucleotide variant.
Coding change: c.2464C>T on transcript NM_000379.4 (MANE Select); coding-DNA position 2464, C replaced by T.
Protein change: p.Arg822Cys; replaces arginine 822 with cysteine.
Molecular consequence: missense variant.
Genome position (GRCh38, 1-based): chr2:31,365,537, G>A on the plus strand (C>T on the coding strand, the complement: XDH is on the minus strand). VCF-style: chr2-31365537-G-A. GRCh37 (hg19) VCF-style: chr2-31588403-G-A.
Other names: short protein forms R822C.
Identifiers: ClinVar variation 2056983 (VCV002056983.1), dbSNP rs762164683, ClinGen allele CA1598802.

ClinVar aggregate classification (germline): Uncertain significance (1 of 4 stars; one submission).

Conditions:
Xanthinuria type II. Also called: Xanthine dehydrogenase and aldehyde oxidase combined deficiency of; XDH and AOX dual deficiency. Identifiers: Orphanet 3467, Orphanet 93602, MedGen C1863688, MONDO:0011346, OMIM 603592.

Allele frequency attached by ClinVar (database versions not stated): ExAC 0.00002; gnomAD 0.00003; gnomAD exomes 0.00003; TOPMed 0.00003.
gnomAD v4.1: 43 of 1,614,008 alleles (0.0027%); highest among the groups gnomAD compares: South Asian, 0.024%; no homozygotes.

Submission:

Labcorp Genetics (formerly Invitae), Labcorp
Classification: Uncertain significance for Xanthinuria type II. Last evaluated: 2022-05-20. Review status: criteria provided, single submitter. Criteria: Invitae Variant Classification Sherloc (09022015). Collection method: clinical testing. Allele origin: germline.
Comment: This sequence change replaces arginine, which is basic and polar, with cysteine, which is neutral and slightly polar, at codon 822 of the XDH protein (p.Arg822Cys). This variant is present in population databases (rs762164683, gnomAD 0.03%). This variant has not been reported in the literature in individuals affected with XDH-related conditions. Algorithms developed to predict the effect of missense changes on protein structure and function output the following: SIFT: "Tolerated"; PolyPhen-2: "Benign"; Align-GVGD: "Class C0". The cysteine amino acid residue is found in multiple mammalian species, which suggests that this missense change does not adversely affect protein function. In summary, the available evidence is currently insufficient to determine the role of this variant in disease. Therefore, it has been classified as a Variant of Uncertain Significance.